The following is an entry in ClinVar:

NM_021254.4(CFAP298):c.439C>T (p.Arg147Ter)

Genes: CFAP298 (cilia and flagella associated protein 298; minus strand), CFAP298-TCP10L (CFAP298-TCP10L readthrough; minus strand). Cytogenetic location: 21q22.11.
Variant type: single nucleotide variant.
Coding change: c.439C>T on transcript NM_021254.4 (MANE Select); coding-DNA position 439, C replaced by T.
Protein change: p.Arg147Ter; replaces arginine 147 with a stop codon.
Molecular consequence: nonsense. On other transcripts: non-coding transcript variant (2).
Genome position (GRCh38, 1-based): chr21:32,604,220, G>A on the plus strand (C>T on the coding strand, the complement: CFAP298 is on the minus strand). VCF-style: chr21-32604220-G-A. GRCh37 (hg19) VCF-style: chr21-33976530-G-A.
Other names: c.439C>T, p.Arg147Ter (NM_001350338.2, NM_001350335.2, NM_001350336.2 and 1 more transcripts); c.142C>T, p.Arg48Ter (NM_001350334.2); short protein forms R147*, R48*.
Identifiers: ClinVar variation 4799464 (VCV004799464.1).
Genomic context (GRCh38, chr21:32,604,220, plus strand): 5'-CCATGCGGATGGGATCATACGGTGGCAACCCCATGGGGTAAACAATCATCACCGCGCCTC[G>A]AAGCTGGTCCAAGGCATCTTTCACCATCTCCATGGTAACACAGACACCGGCTTCCACTTG-3'

ClinVar aggregate classification (germline): Pathogenic (1 of 4 stars; one submission).

gnomAD v4.1: 4 of 1,614,030 alleles (0.00025%); highest among the groups gnomAD compares: East Asian, 0.0045%; no homozygotes.

Submission:

Labcorp Genetics (formerly Invitae), Labcorp
Classification: Pathogenic. Last evaluated: 2025-09-28. Review status: criteria provided, single submitter. Criteria: Invitae Variant Classification Sherloc (09022015). Collection method: clinical testing. Allele origin: germline.
Comment: This sequence change creates a premature translational stop signal (p.Arg147*) in the CFAP298 gene. It is expected to result in an absent or disrupted protein product. Loss-of-function variants in CFAP298 are known to be pathogenic (PMID: 24094744). This variant is present in population databases (no rsID available, gnomAD 0.01%). This variant has not been reported in the literature in individuals affected with CFAP298-related conditions. For these reasons, this variant has been classified as Pathogenic.

Literature cited by the submitters: PubMed 24094744.